The following is an entry in ClinVar:

NM_001267550.2(TTN):c.102642C>G (p.Asp34214Glu)

Genes: TTN (titin; minus strand), TTN-AS1 (TTN antisense RNA 1; plus strand). Cytogenetic location: 2q31.2.
Variant type: single nucleotide variant.
Coding change: c.102642C>G on transcript NM_001267550.2 (MANE Select); coding-DNA position 102642, C replaced by G.
Protein change: p.Asp34214Glu; replaces aspartic acid 34214 with glutamic acid.
Molecular consequence: missense variant.
Genome position (GRCh38, 1-based): chr2:178,533,973, G>C on the plus strand (C>G on the coding strand, the complement: TTN is on the minus strand). VCF-style: chr2-178533973-G-C. GRCh37 (hg19) VCF-style: chr2-179398700-G-C.
Other names: c.97719C>G, p.Asp32573Glu (NM_001256850.1); c.75447C>G, p.Asp25149Glu (NM_003319.4); c.94938C>G, p.Asp31646Glu (NM_133378.4); c.75822C>G, p.Asp25274Glu (NM_133432.3); c.76023C>G, p.Asp25341Glu (NM_133437.4); short protein forms D25274E, D31646E, D25149E, D34214E, D32573E, D25341E.
Identifiers: ClinVar variation 1360817 (VCV001360817.7), dbSNP rs766760792, ClinGen allele CA1985725.
Genomic context (GRCh38, chr2:178,533,973, plus strand): 5'-GTCATAGACTTCTCTCACACCTTTAACAAATAGCTCTGCATAAGAACTGTCTTCACCATA[G>C]TCATTGACTACTTTGCATCTGTAGGTACCATCATCTAATTTGGTAATGTCTTTGACATAG-3'
Protein context (NP_001254479.2, residues 34204-34224): DGTYRCKVVN[Asp34214Glu]YGEDSSYAEL

ClinVar aggregate classification (germline): Uncertain significance. Review status: criteria provided, multiple submitters, no conflicts (2 of 4 stars). 2 submissions from 2 submitters: Uncertain significance (2). Last evaluated 2025-06-15.

Conditions:
Dilated cardiomyopathy 1G (CMD1G). Identifiers: Orphanet 154, MedGen C1858763, MONDO:0011400, OMIM 604145.
Autosomal recessive limb-girdle muscular dystrophy type 2J (LGMDR10). Also called: Limb-girdle muscular dystrophy, type 2J; MUSCULAR DYSTROPHY, LIMB-GIRDLE, AUTOSOMAL RECESSIVE 10. Identifiers: Orphanet 140922, MedGen C1837342, MONDO:0012127, OMIM 608807.
Hypertrophic cardiomyopathy 9. Also called: Familial hypertrophic cardiomyopathy 9. Identifiers: MedGen C1861065, MONDO:0013412, OMIM 613765.
Tibial muscular dystrophy (TMD). Also called: UDD MYOPATHY; Tibial muscular dystrophy, tardive; Udd Distal Myopathy – Tibial Muscular Dystrophy. Identifiers: Orphanet 609, MedGen C1838244, MONDO:0010870, OMIM 600334.
Early-onset myopathy with fatal cardiomyopathy (CMYO5). Also called: Salih Myopathy; CONGENITAL MYOPATHY 5 WITH CARDIOMYOPATHY. Identifiers: Orphanet 289377, MedGen C2673677, MONDO:0012714, OMIM 611705. Disease mechanism: loss of function.
Myopathy, myofibrillar, 9, with early respiratory failure (MFM9). Also called: MYOPATHY, PROXIMAL, WITH EARLY RESPIRATORY MUSCLE INVOLVEMENT; Hereditary myopathy with early respiratory failure; Myopathy, distal, with early respiratory failure, autosomal dominant; EDSTROM MYOPATHY. Identifiers: Orphanet 178464, Orphanet 34521, MedGen C1863599, MONDO:0011362, OMIM 603689.

Allele frequency attached by ClinVar (database versions not stated): TOPMed 0.00002.
gnomAD v4.1: 6 of 1,613,868 alleles (0.00037%); highest among the groups gnomAD compares: East Asian, 0.013%; no homozygotes.

Submissions (2):

Labcorp Genetics (formerly Invitae), Labcorp
Classification: Uncertain significance for Dilated cardiomyopathy 1G; Autosomal recessive limb-girdle muscular dystrophy type 2J. Last evaluated: 2025-06-15. Review status: criteria provided, single submitter. Criteria: Invitae Variant Classification Sherloc (09022015). Collection method: clinical testing. Allele origin: germline.
Comment: This sequence change replaces aspartic acid, which is acidic and polar, with glutamic acid, which is acidic and polar, at codon 34214 of the TTN protein (p.Asp34214Glu). This variant is present in population databases (rs766760792, gnomAD 0.02%). This variant has not been reported in the literature in individuals affected with TTN-related conditions. ClinVar contains an entry for this variant (Variation ID: 1360817). Experimental studies and prediction algorithms are not available or were not evaluated, and the functional significance of this variant is currently unknown. This variant is located in the M band of TTN (PMID: 25589632). Non-truncating variants in this region may be relevant for neuromuscular disorders, but have not been definitively shown to cause cardiomyopathy (PMID: 23975875). In summary, the available evidence is currently insufficient to determine the role of this variant in disease. Therefore, it has been classified as a Variant of Uncertain Significance.

Department of Pathology and Laboratory Medicine, Sinai Health System
Classification: Uncertain significance for Tibial muscular dystrophy; Myopathy, myofibrillar, 9, with early respiratory failure; Dilated cardiomyopathy 1G; Autosomal recessive limb-girdle muscular dystrophy type 2J; Early-onset myopathy with fatal cardiomyopathy; Hypertrophic cardiomyopathy 9. Last evaluated: 2022-11-01. Review status: criteria provided, single submitter. Criteria: ACMG Guidelines, 2015. Collection method: research. Allele origin: germline.

Literature cited by the submitters: PubMed 25589632 (cited by Labcorp Genetics (formerly Invitae), Labcorp); PubMed 23975875 (cited by Labcorp Genetics (formerly Invitae), Labcorp).